The following is an entry in ClinVar:

NM_001369.3(DNAH5):c.5130A>C (p.Lys1710Asn)

Gene: DNAH5 (dynein axonemal heavy chain 5; minus strand). Cytogenetic location: 5p15.2.
Variant type: single nucleotide variant.
Coding change: c.5130A>C on transcript NM_001369.3 (MANE Select); coding-DNA position 5130, A replaced by C.
Protein change: p.Lys1710Asn; replaces lysine 1710 with asparagine.
Molecular consequence: missense variant.
Genome position (GRCh38, 1-based): chr5:13,844,978, T>G on the plus strand (A>C on the coding strand, the complement: DNAH5 is on the minus strand). VCF-style: chr5-13844978-T-G. GRCh37 (hg19) VCF-style: chr5-13845087-T-G.
Other names: short protein forms K1710N.
Identifiers: ClinVar variation 2743877 (VCV002743877.3), dbSNP rs2546923403, ClinGen allele CA359214447.

ClinVar aggregate classification (germline): Uncertain significance (1 of 4 stars; one submission).

Conditions:
Primary ciliary dyskinesia. Also called: Ciliary dyskinesia. Identifiers: Orphanet 244, MedGen C0008780, MONDO:0016575, HP:0012265.

Allele frequency attached by ClinVar (database versions not stated): gnomAD exomes below 0.00001.

Submission:

Labcorp Genetics (formerly Invitae), Labcorp
Classification: Uncertain significance for Primary ciliary dyskinesia. Last evaluated: 2023-11-25. Review status: criteria provided, single submitter. Criteria: Invitae Variant Classification Sherloc (09022015). Collection method: clinical testing. Allele origin: germline.
Comment: This sequence change replaces lysine, which is basic and polar, with asparagine, which is neutral and polar, at codon 1710 of the DNAH5 protein (p.Lys1710Asn). This variant is not present in population databases (gnomAD no frequency). This missense change has been observed in individual(s) with primary ciliary dyskinesia (PMID: 22416021). Advanced modeling of protein sequence and biophysical properties (such as structural, functional, and spatial information, amino acid conservation, physicochemical variation, residue mobility, and thermodynamic stability) performed at Invitae indicates that this missense variant is not expected to disrupt DNAH5 protein function with a negative predictive value of 95%. In summary, the available evidence is currently insufficient to determine the role of this variant in disease. Therefore, it has been classified as a Variant of Uncertain Significance.

Literature cited by the submitters: PubMed 22416021.